The following is an entry in ClinVar:

NM_000400.4(ERCC2):c.2116C>T (p.Leu706Phe)

Gene: ERCC2 (ERCC excision repair 2, TFIIH core complex helicase subunit; minus strand). Cytogenetic location: 19q13.32.
Variant type: single nucleotide variant.
Coding change: c.2116C>T on transcript NM_000400.4 (MANE Select); coding-DNA position 2116, C replaced by T.
Protein change: p.Leu706Phe; replaces leucine 706 with phenylalanine.
Molecular consequence: missense variant. On other transcripts: non-coding transcript variant (3).
Genome position (GRCh38, 1-based): chr19:45,352,283, G>A on the plus strand (C>T on the coding strand, the complement: ERCC2 is on the minus strand). VCF-style: chr19-45352283-G-A. GRCh37 (hg19) VCF-style: chr19-45855541-G-A.
Other names: c.2044C>T, p.Leu682Phe (NM_001440355.1); c.2038C>T, p.Leu680Phe (NM_001440356.1); c.1993C>T, p.Leu665Phe (NM_001440357.1); short protein forms L665F, L680F, L682F, L706F.
Identifiers: ClinVar variation 4752233 (VCV004752233.1).
Genomic context (GRCh38, chr19:45,352,283, plus strand): 5'-GTGCCATCTGCCGCAGGAAGTACTTGGCCACCTGGACACCCTCGTCCACGGTCAGGTTGA[G>A]GTTGGCATCTGTGAGGTGCTCCTGGATCCAGCGGGGCAGCTTCCCCCGCTTGTCCCCACG-3'
Protein context (NP_000391.1, residues 696-716): WIQEHLTDAN[Leu706Phe]NLTVDEGVQV

ClinVar aggregate classification (germline): Uncertain significance (1 of 4 stars; one submission).

Submission:

Labcorp Genetics (formerly Invitae), Labcorp
Classification: Uncertain significance. Last evaluated: 2025-02-15. Review status: criteria provided, single submitter. Criteria: Invitae Variant Classification Sherloc (09022015). Collection method: clinical testing. Allele origin: germline.
Comment: This sequence change replaces leucine, which is neutral and non-polar, with phenylalanine, which is neutral and non-polar, at codon 706 of the ERCC2 protein (p.Leu706Phe). This variant is present in population databases (rs755217625, gnomAD 0.006%). This variant has not been reported in the literature in individuals affected with ERCC2-related conditions. Invitae Evidence Modeling of protein sequence and biophysical properties (such as structural, functional, and spatial information, amino acid conservation, physicochemical variation, residue mobility, and thermodynamic stability) has been performed for this missense variant. However, the output from this modeling did not meet the statistical confidence thresholds required to predict the impact of this variant on ERCC2 protein function. In summary, the available evidence is currently insufficient to determine the role of this variant in disease. Therefore, it has been classified as a Variant of Uncertain Significance.